The following is an entry in ClinVar:

NM_005546.4(ITK):c.*1361G>A

Gene: ITK (IL2 inducible T cell kinase; plus strand). Cytogenetic location: 5q33.3.
Variant type: single nucleotide variant.
Coding change: c.*1361G>A on transcript NM_005546.4 (MANE Select); 1361 bases downstream of the stop codon, G replaced by A.
Molecular consequence: 3 prime UTR variant.
Genome position (GRCh38, 1-based): chr5:157,254,039, G>A. VCF-style: chr5-157254039-G-A. GRCh37 (hg19) VCF-style: chr5-156681049-G-A.
Identifiers: ClinVar variation 352494 (VCV000352494.5), dbSNP rs79627475, ClinGen allele CA10621087.

ClinVar aggregate classification (germline): Benign (1 of 4 stars; one submission).

Conditions:
Lymphoproliferative syndrome 1 (LPFS1). Identifiers: Orphanet 238505, Orphanet 538963, MedGen C3552634, MONDO:0013081, OMIM 613011.

Allele frequency attached by ClinVar (database versions not stated): 1000 Genomes Project 0.00519; 1000 Genomes Project 30x 0.00609; TOPMed 0.01511; gnomAD 0.01647 and 0.01736; gnomAD exomes 0.01762.
gnomAD v4.1: 3,823 of 226,162 alleles (1.7%); highest among the groups gnomAD compares: Non-Finnish European, 2.7%; 46 homozygotes.

Submission:

Illumina Laboratory Services, Illumina
Classification: Benign for Lymphoproliferative syndrome 1. Last evaluated: 2018-01-12. Review status: criteria provided, single submitter. Criteria: ICSL Variant Classification Criteria 13 December 2019. Collection method: clinical testing. Allele origin: germline.
Comment: This variant was observed in the ICSL laboratory as part of a predisposition screen in an ostensibly healthy population. It had not been previously curated by ICSL or reported in the Human Gene Mutation Database (HGMD: prior to June 1st, 2018), and was therefore a candidate for classification through an automated scoring system. Utilizing variant allele frequency, disease prevalence and penetrance estimates, and inheritance mode, an automated score was calculated to assess if this variant is too frequent to cause the disease. Based on the score and internal cut-off values, a variant classified as benign is not then subjected to further curation. The score for this variant resulted in a classification of benign for this disease.